The following is an entry in ClinVar:

ClinVar aggregate classification (germline): Uncertain significance (1 of 4 stars; one submission).

Conditions:
Fibrous dysplasia of jaw (CRBM). Also called: Cherubism. Identifiers: Orphanet 184, MedGen C0008029, MONDO:0007315, OMIM 118400.

Allele frequency attached by ClinVar (database versions not stated): TOPMed 0.00001; gnomAD 0.00001; gnomAD exomes 0.00001.

Submission:

Labcorp Genetics (formerly Invitae), Labcorp
Classification: Uncertain significance for Fibrous dysplasia of jaw. Last evaluated: 2025-08-17. Review status: criteria provided, single submitter. Criteria: Invitae Variant Classification Sherloc (09022015). Collection method: clinical testing. Allele origin: germline.
Comment: This sequence change creates a premature translational stop signal (p.Lys519*) in the SH3BP2 gene. While this is not anticipated to result in nonsense mediated decay, it is expected to disrupt the last 43 amino acid(s) of the SH3BP2 protein. This variant is not present in population databases (gnomAD no frequency). This variant has not been reported in the literature in individuals affected with SH3BP2-related conditions. ClinVar contains an entry for this variant (Variation ID: 2906596). In summary, the available evidence is currently insufficient to determine the role of this variant in disease. Therefore, it has been classified as a Variant of Uncertain Significance.

NM_001122681.2(SH3BP2):c.1554dup (p.Lys519Ter)

Gene: SH3BP2 (SH3 domain binding protein 2; plus strand). Cytogenetic location: 4p16.3.
Variant type: Duplication.
Coding change: c.1554dup on transcript NM_001122681.2 (MANE Select); coding-DNA position 1554, one base duplicated (T; older notation c.1554dupT).
Protein change: p.Lys519Ter; replaces lysine 519 with a stop codon.
Molecular consequence: nonsense.
Genome position (GRCh38, 1-based): chr4:2,833,702, T duplicated. VCF-style (leftmost placement, unchanged base first): chr4-2833701-C-CT. GRCh37 (hg19) VCF-style: chr4-2835428-C-CT.
Other names: c.1638dup, p.Lys547Ter (NM_001145855.2); c.1725dup, p.Lys576Ter (NM_001145856.2); c.1554dup, p.Lys519Ter (NM_003023.4); short protein forms K547*, K519*, K576*.
Identifiers: ClinVar variation 2906596 (VCV002906596.3), dbSNP rs1725126985, ClinGen allele CA1058592156.